The following is an entry in ClinVar:

ClinVar aggregate classification (germline): Uncertain significance (1 of 4 stars; one submission).

Allele frequency attached by ClinVar (database versions not stated): gnomAD 0.00001; gnomAD exomes 0.00001 and 0.00002; TOPMed 0.00002.
gnomAD v4.1: 10 of 1,595,756 alleles (0.00063%); highest among the groups gnomAD compares: Admixed American, 0.0087%; no homozygotes.

Submission:

Labcorp Genetics (formerly Invitae), Labcorp
Classification: Uncertain significance. Last evaluated: 2025-02-27. Review status: criteria provided, single submitter. Criteria: Invitae Variant Classification Sherloc (09022015). Collection method: clinical testing. Allele origin: germline.
Comment: This sequence change replaces cysteine, which is neutral and slightly polar, with arginine, which is basic and polar, at codon 337 of the C7 protein (p.Cys337Arg). This variant is present in population databases (no rsID available, gnomAD 0.009%). This variant has not been reported in the literature in individuals affected with C7-related conditions. ClinVar contains an entry for this variant (Variation ID: 1409916). Invitae Evidence Modeling of protein sequence and biophysical properties (such as structural, functional, and spatial information, amino acid conservation, physicochemical variation, residue mobility, and thermodynamic stability) indicates that this missense variant is expected to disrupt C7 protein function with a positive predictive value of 80%. In summary, the available evidence is currently insufficient to determine the role of this variant in disease. Therefore, it has been classified as a Variant of Uncertain Significance.

NM_000587.4(C7):c.1009T>C (p.Cys337Arg)

Gene: C7 (complement C7; plus strand). Cytogenetic location: 5p13.1.
Variant type: single nucleotide variant.
Coding change: c.1009T>C on transcript NM_000587.4 (MANE Select); coding-DNA position 1009, T replaced by C.
Protein change: p.Cys337Arg; replaces cysteine 337 with arginine.
Molecular consequence: missense variant.
Genome position (GRCh38, 1-based): chr5:40,949,930, T>C. VCF-style: chr5-40949930-T-C. GRCh37 (hg19) VCF-style: chr5-40950032-T-C.
Other names: short protein forms C337R.
Identifiers: ClinVar variation 1409916 (VCV001409916.4), dbSNP rs1046331172, ClinGen allele CA117215192.
Genomic context (GRCh38, chr5:40,949,930, plus strand): 5'-ATTAAACATGTCTCTTTTACATTTTCTCCCCTAGATTTTAATTCAGTCGAAGAAAAGAAA[T>C]GTAAATCCTCAGGTTGGCATTTTGTCGTTAAATTTTCAAGTCATGGATGCAAGGAACTGG-3'
Protein context (NP_000578.2, residues 327-347): NDFNSVEEKK[Cys337Arg]KSSGWHFVVK